The following is an entry in ClinVar:

NM_138393.4(REEP6):c.412C>T (p.Arg138Cys)

Gene: REEP6 (receptor accessory protein 6; plus strand). Cytogenetic location: 19p13.3.
Variant type: single nucleotide variant.
Coding change: c.412C>T on transcript NM_138393.4 (MANE Select); coding-DNA position 412, C replaced by T.
Protein change: p.Arg138Cys; replaces arginine 138 with cysteine.
Molecular consequence: missense variant.
Genome position (GRCh38, 1-based): chr19:1,496,348, C>T. VCF-style: chr19-1496348-C-T. GRCh37 (hg19) VCF-style: chr19-1496347-C-T.
Other names: c.412C>T, p.Arg138Cys (NM_001329556.3); short protein forms R138C.
Identifiers: ClinVar variation 1434913 (VCV001434913.5), dbSNP rs371233140, ClinGen allele CA9047561.

ClinVar aggregate classification (germline): Uncertain significance (1 of 4 stars; one submission).

Allele frequency attached by ClinVar (database versions not stated): TOPMed 0.00003; ESP Exome Variant Server 0.00008.

Submission:

Labcorp Genetics (formerly Invitae), Labcorp
Classification: Uncertain significance. Last evaluated: 2023-07-17. Review status: criteria provided, single submitter. Criteria: Invitae Variant Classification Sherloc (09022015). Collection method: clinical testing. Allele origin: germline.
Comment: This variant has not been reported in the literature in individuals affected with REEP6-related conditions. This variant is present in population databases (rs371233140, gnomAD 0.02%). This sequence change replaces arginine, which is basic and polar, with cysteine, which is neutral and slightly polar, at codon 138 of the REEP6 protein (p.Arg138Cys). ClinVar contains an entry for this variant (Variation ID: 1434913). In summary, the available evidence is currently insufficient to determine the role of this variant in disease. Therefore, it has been classified as a Variant of Uncertain Significance. Experimental studies and prediction algorithms are not available or were not evaluated, and the functional significance of this variant is currently unknown.